The following is an entry in ClinVar:

NM_001042492.3(NF1):c.8002C>T (p.Leu2668=)

Gene: NF1 (neurofibromin 1; plus strand). Cytogenetic location: 17q11.2.
Variant type: single nucleotide variant.
Coding change: c.8002C>T on transcript NM_001042492.3 (MANE Select); coding-DNA position 8002, C replaced by T.
Protein change: p.Leu2668=; no amino-acid change (leucine 2668 retained).
Molecular consequence: synonymous variant.
Genome position (GRCh38, 1-based): chr17:31,358,511, C>T. VCF-style: chr17-31358511-C-T. GRCh37 (hg19) VCF-style: chr17-29685529-C-T.
Other names: c.7939C>T, p.Leu2647= (NM_000267.4).
Identifiers: ClinVar variation 413000 (VCV000413000.14), dbSNP rs1060503905, ClinGen allele CA16615592.
Genomic context (GRCh38, chr17:31,358,511, plus strand): 5'-TTCCTCTGTTGACTTTTTTTTTCTTTTAGGCATAATTTGTTGGACTCTAAGATCAACACC[C>T]TGTTATCATTGTGCCAAGATCCAAATTTGTTAAATCCAATCCATGGAATTGTGCAGAGTG-3'
Protein context (NP_001035957.1, residues 2658-2678): HNLLDSKINT[Leu2668=]LSLCQDPNLL

ClinVar aggregate classification (germline): Likely benign. Review status: criteria provided, multiple submitters, no conflicts (2 of 4 stars). 3 submissions from 3 submitters: Likely benign (3). Last evaluated 2025-10-13.

Conditions:
Cardiovascular phenotype. Identifiers: MedGen CN230736.
Hereditary cancer-predisposing syndrome. Also called: Neoplastic Syndromes, Hereditary; Tumor predisposition; Hereditary Cancer Syndrome; Hereditary neoplastic syndrome. Identifiers: Orphanet 140162, MedGen C0027672, MeSH D009386, MONDO:0015356.
NF1-related disorder. Also called: NF1-related condition. Identifiers: MedGen CN379171.
Neurofibromatosis, type 1 (NF1). Also called: Neurofibromatosis, type I; VON RECKLINGHAUSEN DISEASE; Peripheral type neurofibromatosis; NEUROFIBROMATOSIS, TYPE I, SOMATIC. Identifiers: Orphanet 636, MedGen C0027831, MONDO:0018975, OMIM 162200. Disease mechanism: loss of function.

Allele frequency attached by ClinVar (database versions not stated): TOPMed 0.00001.

Submissions (3):

PreventionGenetics, part of Exact Sciences
Classification: Likely benign for NF1-related condition. Last evaluated: 2025-10-13. Review status: criteria provided, single submitter. Criteria: ACMG Guidelines, 2015. Collection method: clinical testing. Allele origin: germline.
Comment: This variant is classified as likely benign based on ACMG/AMP sequence variant interpretation guidelines (Richards et al. 2015 PMID: 25741868, with internal and published modifications).

Labcorp Genetics (formerly Invitae), Labcorp
Classification: Likely benign for Neurofibromatosis, type 1. Last evaluated: 2025-09-17. Review status: criteria provided, single submitter. Criteria: Invitae Variant Classification Sherloc (09022015). Collection method: clinical testing. Allele origin: germline.

Ambry Genetics
Classification: Likely benign for Cardiovascular phenotype; Hereditary cancer-predisposing syndrome. Last evaluated: 2017-02-10. Review status: criteria provided, single submitter. Criteria: Ambry Variant Classification Scheme 2023. Collection method: clinical testing. Allele origin: germline.